The following is an entry in ClinVar:

NM_176824.3(BBS7):c.1975G>C (p.Glu659Gln)

Gene: BBS7 (Bardet-Biedl syndrome 7; minus strand). Cytogenetic location: 4q27.
Variant type: single nucleotide variant.
Coding change: c.1975G>C on transcript NM_176824.3 (MANE Select); coding-DNA position 1975, G replaced by C.
Protein change: p.Glu659Gln; replaces glutamic acid 659 with glutamine.
Molecular consequence: missense variant.
Genome position (GRCh38, 1-based): chr4:121,828,185, C>G on the plus strand (G>C on the coding strand, the complement: BBS7 is on the minus strand). VCF-style: chr4-121828185-C-G. GRCh37 (hg19) VCF-style: chr4-122749340-C-G.
Other names: c.1975G>C, p.Glu659Gln (NM_018190.4); c.1975G>C (NM_176824.2); short protein forms E659Q.
Identifiers: ClinVar variation 2191647 (VCV002191647.3), dbSNP rs113786007, ClinGen allele CA104752677.
Genomic context (GRCh38, chr4:121,828,185, plus strand): 5'-ATTCTAGAATGGTCCACTAACCATAGAGTCTTTCAAGATGTGCAGGTTGCTTTTTGTATT[C>G]TTCCTGTAGGTGATCTGCCTCTTCTAGAATACAGTGATATTCTGGTATCAGAAAGTTCGT-3'
Protein context (NP_789794.1, residues 649-669): ILEEADHLQE[Glu659Gln]YKKQPAHLER

ClinVar aggregate classification (germline): Uncertain significance. Review status: criteria provided, multiple submitters, no conflicts (2 of 4 stars). 2 submissions from 2 submitters: Uncertain significance (2). Last evaluated 2025-11-19.

Conditions:
BBS7-related disorder. Also called: BBS7-related condition.
Bardet-Biedl syndrome (BBS). Identifiers: Orphanet 110, MedGen C0752166, MONDO:0015229.

Allele frequency attached by ClinVar (database versions not stated): gnomAD exomes below 0.00001; TOPMed below 0.00001; gnomAD 0.00001.
gnomAD v4.1: 14 of 1,613,858 alleles (0.00087%); highest among the groups gnomAD compares: African/African-American, 0.0067%; no homozygotes.

Submissions (2):

PreventionGenetics, part of Exact Sciences
Classification: Uncertain significance for BBS7-related condition. Last evaluated: 2025-11-19. Review status: criteria provided, single submitter. Criteria: ACMG Guidelines, 2015. Collection method: clinical testing. Allele origin: germline.
Comment: The BBS7 c.1975G>C variant is predicted to result in the amino acid substitution p.Glu659Gln. To our knowledge, this variant has not been reported in the literature or in a large population database (gnomAD), indicating this variant is rare. At this time, the clinical significance of this variant is uncertain due to the absence of conclusive functional and genetic evidence.

Labcorp Genetics (formerly Invitae), Labcorp
Classification: Uncertain significance for Bardet-Biedl syndrome. Last evaluated: 2025-04-28. Review status: criteria provided, single submitter. Criteria: Invitae Variant Classification Sherloc (09022015). Collection method: clinical testing. Allele origin: germline.
Comment: This sequence change replaces glutamic acid, which is acidic and polar, with glutamine, which is neutral and polar, at codon 659 of the BBS7 protein (p.Glu659Gln). This variant is not present in population databases (gnomAD no frequency). This variant has not been reported in the literature in individuals affected with BBS7-related conditions. ClinVar contains an entry for this variant (Variation ID: 2191647). Invitae Evidence Modeling of protein sequence and biophysical properties (such as structural, functional, and spatial information, amino acid conservation, physicochemical variation, residue mobility, and thermodynamic stability) indicates that this missense variant is not expected to disrupt BBS7 protein function with a negative predictive value of 80%. In summary, the available evidence is currently insufficient to determine the role of this variant in disease. Therefore, it has been classified as a Variant of Uncertain Significance.